The following is an entry in ClinVar:

NM_001139.3(ALOX12B):c.1579G>A (p.Val527Met)

Gene: ALOX12B (arachidonate 12-lipoxygenase, 12R type; minus strand). Cytogenetic location: 17p13.1.
Variant type: single nucleotide variant.
Coding change: c.1579G>A on transcript NM_001139.3 (MANE Select); coding-DNA position 1579, G replaced by A.
Protein change: p.Val527Met; replaces valine 527 with methionine.
Molecular consequence: missense variant.
Genome position (GRCh38, 1-based): chr17:8,075,670, C>T on the plus strand (G>A on the coding strand, the complement: ALOX12B is on the minus strand). VCF-style: chr17-8075670-C-T. GRCh37 (hg19) VCF-style: chr17-7978988-C-T.
Other names: NM_001139.2(ALOX12B):c.1579G>A(p.Val527Met); c.1579G>A, p.Val527Met (LRG_1264t1); short protein forms V527M.
Identifiers: ClinVar variation 212729 (VCV000212729.14), dbSNP rs199545653, ClinGen allele CA277196.

ClinVar aggregate classification (germline): Pathogenic/Likely pathogenic. Review status: criteria provided, multiple submitters, no conflicts (2 of 4 stars). 9 submissions from 9 submitters: Pathogenic (3); Likely pathogenic (4). 2 of the submissions do not count toward it. Last evaluated 2025-09-05.

Conditions:
ALOX12B-related disorder. Also called: ALOX12B-related condition.
Ichthyosis and erythrokeratoderma.
Autosomal recessive congenital ichthyosis 2 (ARCI2). Identifiers: Orphanet 281122, Orphanet 79394, MedGen C3888093, MONDO:0009439, OMIM 242100.

Allele frequency attached by ClinVar (database versions not stated): gnomAD exomes 0.00001; ExAC 0.00002; gnomAD 0.00004 and 0.00006; TOPMed 0.00006.
gnomAD v4.1: 83 of 1,614,056 alleles (0.0051%); highest among the groups gnomAD compares: African/African-American, 0.012%; no homozygotes.

Submissions (9):

Genetics Laboratory, Great Ormond Street Hospital NHS Foundation Trust, North Thames Genomic Laboratory Hub
Classification: Likely pathogenic for Ichthyosis and erythrokeratoderma. Last evaluated: 2025-09-05. Review status: criteria provided, single submitter. Criteria: ACGS Best Practice Guidelines for Variant Classification in Rare Disease 2024 v1.2. Collection method: clinical testing. Allele origin: germline. Affected: yes.
Comment: PM2_moderate, PP3_supporting, PM3_strong

Labcorp Genetics (formerly Invitae), Labcorp
Classification: Pathogenic. Last evaluated: 2025-08-18. Review status: criteria provided, single submitter. Criteria: Invitae Variant Classification Sherloc (09022015). Collection method: clinical testing. Allele origin: germline.
Comment: This sequence change replaces valine, which is neutral and non-polar, with methionine, which is neutral and non-polar, at codon 527 of the ALOX12B protein (p.Val527Met). This variant is present in population databases (rs199545653, gnomAD 0.02%). This missense change has been observed in individuals with congenital ichthyosis (PMID: 17139268, 27025581). ClinVar contains an entry for this variant (Variation ID: 212729). Invitae Evidence Modeling of protein sequence and biophysical properties (such as structural, functional, and spatial information, amino acid conservation, physicochemical variation, residue mobility, and thermodynamic stability) has been performed for this missense variant. However, the output from this modeling did not meet the statistical confidence thresholds required to predict the impact of this variant on ALOX12B protein function. For these reasons, this variant has been classified as Pathogenic.

Blueprint Genetics
Classification: Pathogenic for ALOX12B-related disorders. Last evaluated: 2024-08-12. Review status: criteria provided, single submitter. Criteria: ACMG Guidelines, 2015. Collection method: clinical testing. Allele origin: germline. Affected: yes. Observed: 4 variant alleles.

Fulgent Genetics
Classification: Likely pathogenic for Autosomal recessive congenital ichthyosis 2. Last evaluated: 2024-01-16. Review status: criteria provided, single submitter. Criteria: ACMG Guidelines, 2015. Collection method: clinical testing. Allele origin: germline.

GeneDx
Classification: Likely pathogenic. Last evaluated: 2022-11-01. Review status: criteria provided, single submitter. Criteria: GeneDx Variant Classification Process June 2021. Collection method: clinical testing. Allele origin: germline. Affected: yes.
Comment: In silico analysis supports that this missense variant has a deleterious effect on protein structure/function; This variant is associated with the following publications: (PMID: 27025581, 17139268, 19890349, 26762237, 34426522, 31168818, 35315045, 33435499)

Clinical Genetics Laboratory, Skane University Hospital Lund
Classification: Pathogenic. Last evaluated: 2022-07-13. Review status: criteria provided, single submitter. Criteria: ACMG Guidelines, 2015. Collection method: clinical testing. Allele origin: germline. Affected: yes.

SIB Swiss Institute of Bioinformatics
Classification: Likely pathogenic for Autosomal recessive congenital ichthyosis 2. Last evaluated: 2018-05-31. Review status: criteria provided, single submitter. Criteria: ACMG Guidelines, 2015. Collection method: curation. Allele origin: unknown.
Comment: This variant is interpreted as a Likely Pathogenic, for Ichthyosis, congenital, autosomal recessive 2, in Autosomal Recessive manner. The following ACMG Tag(s) were applied: PP3 => Multiple lines of computational evidence support a deleterious effect on the gene or gene product. PM2 => Absent from controls (or at extremely low frequency if recessive) in Exome Sequencing Project, 1000 Genomes Project, or Exome Aggregation Consortium. PS4-Moderate => found in unrelated patients (PMID:26762237) (PMID:17139268) (PMID:19890349). PM3 => For recessive disorders, detected in trans with a likely pathogenic variant (PMID:26762237).

Institute for Human Genetics, University Medical Center Freiburg
Classification: Pathogenic for Autosomal recessive congenital ichthyosis 2. Last evaluated: 2021-01-07. Review status: no assertion criteria provided. Collection method: clinical testing. Allele origin: unknown. Affected: yes. Not counted in ClinVar's aggregate classification.

Knight Diagnostic Laboratories, Oregon Health and Sciences University
Classification: Likely pathogenic for Autosomal recessive congenital ichthyosis 2. Last evaluated: 2014-11-19. Review status: no assertion criteria provided. Criteria: ACMG Guidelines, 2007. Collection method: clinical testing. Allele origin: germline. Inheritance: Autosomal recessive inheritance. Affected: no. Not counted in ClinVar's aggregate classification.

Literature cited by the submitters: PubMed 17139268 (cited by 3 submitters); PubMed 27025581 (cited by Labcorp Genetics (formerly Invitae), Labcorp); PubMed 26762237 (cited by SIB Swiss Institute of Bioinformatics); PubMed 19890349 (cited by SIB Swiss Institute of Bioinformatics).